The following is an entry in ClinVar:

ClinVar aggregate classification (germline): Uncertain significance (1 of 4 stars; one submission).

Submission:

Labcorp Genetics (formerly Invitae), Labcorp
Classification: Uncertain significance. Last evaluated: 2025-01-05. Review status: criteria provided, single submitter. Criteria: Invitae Variant Classification Sherloc (09022015). Collection method: clinical testing. Allele origin: germline.
Comment: This variant, c.83_112dup, results in the insertion of 10 amino acid(s) of the OTULIN protein (p.Thr28_Ala37dup), but otherwise preserves the integrity of the reading frame. This variant is present in population databases (no rsID available, gnomAD 0.01%). This variant has not been reported in the literature in individuals affected with OTULIN-related conditions. Experimental studies and prediction algorithms are not available or were not evaluated, and the functional significance of this variant is currently unknown. In summary, the available evidence is currently insufficient to determine the role of this variant in disease. Therefore, it has been classified as a Variant of Uncertain Significance.

NM_138348.6(OTULIN):c.83_112dup (p.Ala37_Ser38insThrAlaArgAspGlyGlyLysAlaAlaAla)

Gene: OTULIN (OTU deubiquitinase with linear linkage specificity; plus strand). Cytogenetic location: 5p15.2.
Variant type: Duplication.
Coding change: c.83_112dup on transcript NM_138348.6 (MANE Select); coding-DNA positions 83 to 112, 30 bases duplicated (CGGCGCGGGACGGCGGGAAGGCGGCGGCCA).
Protein change: p.Ala37_Ser38insThrAlaArgAspGlyGlyLysAlaAlaAla.
Molecular consequence: inframe insertion.
Genome position (GRCh38, 1-based): chr5:14,664,908-14,664,937, CGGCGCGGGACGGCGGGAAGGCGGCGGCCA duplicated; duplicating any 30 consecutive bases within chr5:14,664,896-14,664,937 gives the same sequence; the c. name uses the placement nearest the transcript's 3' end. VCF-style (leftmost placement, unchanged base first): chr5-14664895-G-GAGGCGGCGGCCACGGCGCGGGACGGCGGGA. GRCh37 (hg19) VCF-style: chr5-14665004-G-GAGGCGGCGGCCACGGCGCGGGACGGCGGGA.
Identifiers: ClinVar variation 3628939 (VCV003628939.1).